The following is an entry in ClinVar:

ClinVar aggregate classification (germline): Uncertain significance (1 of 4 stars; one submission).

Conditions:
Chédiak-Higashi syndrome (CHS). Also called: Chediak-Higashi Syndrome. Identifiers: Orphanet 167, MedGen C0007965, MONDO:0008963, OMIM 214500.

gnomAD v4.1: 2 of 1,613,394 alleles (0.00012%); highest among the groups gnomAD compares: Admixed American, 0.0033%; no homozygotes.

Submission:

Labcorp Genetics (formerly Invitae), Labcorp
Classification: Uncertain significance for Chédiak-Higashi syndrome. Last evaluated: 2025-05-03. Review status: criteria provided, single submitter. Criteria: Invitae Variant Classification Sherloc (09022015). Collection method: clinical testing. Allele origin: germline.
Comment: This sequence change replaces leucine, which is neutral and non-polar, with valine, which is neutral and non-polar, at codon 2318 of the LYST protein (p.Leu2318Val). This variant is not present in population databases (gnomAD no frequency). This variant has not been reported in the literature in individuals affected with LYST-related conditions. ClinVar contains an entry for this variant (Variation ID: 1000499). Invitae Evidence Modeling of protein sequence and biophysical properties (such as structural, functional, and spatial information, amino acid conservation, physicochemical variation, residue mobility, and thermodynamic stability) indicates that this missense variant is expected to disrupt LYST protein function with a positive predictive value of 80%. In summary, the available evidence is currently insufficient to determine the role of this variant in disease. Therefore, it has been classified as a Variant of Uncertain Significance.

NM_000081.4(LYST):c.6952C>G (p.Leu2318Val)

Gene: LYST (lysosomal trafficking regulator; minus strand). Cytogenetic location: 1q42.3.
Variant type: single nucleotide variant.
Coding change: c.6952C>G on transcript NM_000081.4 (MANE Select); coding-DNA position 6952, C replaced by G.
Protein change: p.Leu2318Val; replaces leucine 2318 with valine.
Molecular consequence: missense variant.
Genome position (GRCh38, 1-based): chr1:235,757,388, G>C on the plus strand (C>G on the coding strand, the complement: LYST is on the minus strand). VCF-style: chr1-235757388-G-C. GRCh37 (hg19) VCF-style: chr1-235920688-G-C.
Other names: c.6952C>G, p.Leu2318Val (NM_001301365.1); short protein forms L2318V.
Identifiers: ClinVar variation 1000499 (VCV001000499.3), dbSNP rs753067671, ClinGen allele CA344936772.